The following is an entry in ClinVar:

ClinVar aggregate classification (germline): Uncertain significance (1 of 4 stars; one submission).

Conditions:
COG1 congenital disorder of glycosylation (CDG2G). Also called: CONGENITAL DISORDER OF GLYCOSYLATION, TYPE IIg; CDG IIg; CDGII/COG1 CEREBROCOSTOMANDIBULAR-LIKE SYNDROME. Identifiers: Orphanet 263508, MedGen C2931011, MONDO:0012637, OMIM 611209.

Allele frequency attached by ClinVar (database versions not stated): gnomAD exomes 0.00001; TOPMed 0.00001.
gnomAD v4.1: 5 of 1,613,940 alleles (0.00031%); highest among the groups gnomAD compares: Admixed American, 0.005%; no homozygotes.

Submission:

Labcorp Genetics (formerly Invitae), Labcorp
Classification: Uncertain significance for COG1 congenital disorder of glycosylation. Last evaluated: 2022-07-26. Review status: criteria provided, single submitter. Criteria: Invitae Variant Classification Sherloc (09022015). Collection method: clinical testing. Allele origin: germline.
Comment: This sequence change replaces valine, which is neutral and non-polar, with glycine, which is neutral and non-polar, at codon 869 of the COG1 protein (p.Val869Gly). This variant is not present in population databases (gnomAD no frequency). This variant has not been reported in the literature in individuals affected with COG1-related conditions. ClinVar contains an entry for this variant (Variation ID: 1440443). Algorithms developed to predict the effect of missense changes on protein structure and function (SIFT, PolyPhen-2, Align-GVGD) all suggest that this variant is likely to be tolerated. In summary, the available evidence is currently insufficient to determine the role of this variant in disease. Therefore, it has been classified as a Variant of Uncertain Significance.

NM_018714.3(COG1):c.2606T>G (p.Val869Gly)

Gene: COG1 (component of oligomeric golgi complex 1; plus strand). Cytogenetic location: 17q25.1.
Variant type: single nucleotide variant.
Coding change: c.2606T>G on transcript NM_018714.3 (MANE Select); coding-DNA position 2606, T replaced by G.
Protein change: p.Val869Gly; replaces valine 869 with glycine.
Molecular consequence: missense variant.
Genome position (GRCh38, 1-based): chr17:73,206,249, T>G. VCF-style: chr17-73206249-T-G. GRCh37 (hg19) VCF-style: chr17-71202388-T-G.
Other names: short protein forms V869G.
Identifiers: ClinVar variation 1440443 (VCV001440443.3), dbSNP rs1599331791, ClinGen allele CA400896633.